The following is an entry in ClinVar:

ClinVar aggregate classification (germline): Uncertain significance. Review status: criteria provided, multiple submitters, no conflicts (2 of 4 stars). 3 submissions from 3 submitters: Uncertain significance (3). Last evaluated 2026-03-12.

Conditions:
TGFBR1-related disorder. Also called: TGFBR1-related condition.
Familial thoracic aortic aneurysm and aortic dissection (TAAD). Also called: Thoracic aortic aneurysms and dissections. Identifiers: Orphanet 91387, MedGen C4707243, MONDO:0019625.

gnomAD v4.1: 2 of 1,613,986 alleles (0.00012%); highest among the groups gnomAD compares: Non-Finnish European, 0.00017%; no homozygotes.

Submissions (3):

PreventionGenetics, part of Exact Sciences
Classification: Uncertain significance for TGFBR1-related condition. Last evaluated: 2026-03-12. Review status: criteria provided, single submitter. Criteria: ACMG Guidelines, 2015. Collection method: clinical testing. Allele origin: germline.
Comment: The TGFBR1 c.788T>C variant is predicted to result in the amino acid substitution p.Ile263Thr. To our knowledge, this variant has not been reported in the literature or in a large population database (gnomAD), indicating this variant is rare. At this time, the clinical significance of this variant is uncertain due to the absence of conclusive functional and genetic evidence.

Labcorp Genetics (formerly Invitae), Labcorp
Classification: Uncertain significance for Familial thoracic aortic aneurysm and aortic dissection. Last evaluated: 2025-08-13. Review status: criteria provided, single submitter. Criteria: Invitae Variant Classification Sherloc (09022015). Collection method: clinical testing. Allele origin: germline.
Comment: This sequence change replaces isoleucine, which is neutral and non-polar, with threonine, which is neutral and polar, at codon 263 of the TGFBR1 protein (p.Ile263Thr). This variant is not present in population databases (gnomAD no frequency). This variant has not been reported in the literature in individuals affected with TGFBR1-related conditions. Invitae Evidence Modeling of protein sequence and biophysical properties (such as structural, functional, and spatial information, amino acid conservation, physicochemical variation, residue mobility, and thermodynamic stability) indicates that this missense variant is expected to disrupt TGFBR1 protein function with a positive predictive value of 80%. In summary, the available evidence is currently insufficient to determine the role of this variant in disease. Therefore, it has been classified as a Variant of Uncertain Significance.

Color Diagnostics, LLC DBA Color Health
Classification: Uncertain significance for Familial thoracic aortic aneurysm and aortic dissection. Last evaluated: 2025-06-17. Review status: criteria provided, single submitter. Criteria: ACMG Guidelines, 2015. Collection method: clinical testing. Allele origin: germline.
Comment: This missense variant replaces isoleucine with threonine at codon 263 of the TGFBR1 protein. Computational prediction suggests that this variant may have deleterious impact on protein structure and function. To our knowledge, functional studies have not been reported for this variant. This variant has not been reported in individuals affected with TGFBR1-related disorders in the literature. This variant has not been identified in the general population by the Genome Aggregation Database (gnomAD). The available evidence is insufficient to determine the role of this variant in disease conclusively. Therefore, this variant is classified as a Variant of Uncertain Significance.

NM_004612.4(TGFBR1):c.788T>C (p.Ile263Thr)

Gene: TGFBR1 (transforming growth factor beta receptor 1; plus strand). Cytogenetic location: 9q22.33.
Variant type: single nucleotide variant.
Coding change: c.788T>C on transcript NM_004612.4 (MANE Select); coding-DNA position 788, T replaced by C.
Protein change: p.Ile263Thr; replaces isoleucine 263 with threonine.
Molecular consequence: missense variant. On other transcripts: non-coding transcript variant (4), intron variant (2).
Genome position (GRCh38, 1-based): chr9:99,138,072, T>C. VCF-style: chr9-99138072-T-C. GRCh37 (hg19) VCF-style: chr9-101900354-T-C.
Other names: c.581T>C, p.Ile194Thr (NM_001407433.1, NM_001407434.1, NM_001407423.1 and 8 more transcripts); c.542T>C, p.Ile181Thr (NM_001407436.1); c.311T>C, p.Ile104Thr (NM_001407438.1); c.575-4464T>C (NM_001407435.1); c.98-4464T>C (NM_001407437.1); c.788T>C (NM_004612.3); c.557T>C, p.Ile186Thr (NM_001130916.3); c.800T>C, p.Ile267Thr (NM_001306210.2, NM_001407416.1); and 2 more; short protein forms I263T, I181T, I198T, I104T, I194T, I186T, I267T.
Identifiers: ClinVar variation 4748921 (VCV004748921.2).
Genomic context (GRCh38, chr9:99,138,072, plus strand): 5'-TCCGTGAGGCAGAGATTTATCAAACTGTAATGTTACGTCATGAAAACATCCTGGGATTTA[T>C]AGCAGCAGACAATAAAGGTCTGTAACATTTGCTTTTCCTTATGTTATATATAACAAGATC-3'
Protein context (NP_004603.1, residues 253-273): MLRHENILGF[Ile263Thr]AADNKDNGTW